The following is an entry in ClinVar:

ClinVar aggregate classification (germline): Uncertain significance (1 of 4 stars; one submission).

Conditions:
Familial cancer of breast. Also called: hereditary breast carcinoma; BREAST CANCER, FAMILIAL; Hereditary breast cancer. Identifiers: Orphanet 227535, MedGen C0346153, MONDO:0016419, OMIM 114480. Disease mechanism: loss of function.

Submission:

Labcorp Genetics (formerly Invitae), Labcorp
Classification: Uncertain significance for Familial cancer of breast. Last evaluated: 2022-03-23. Review status: criteria provided, single submitter. Criteria: Invitae Variant Classification Sherloc (09022015). Collection method: clinical testing. Allele origin: germline.
Comment: This sequence change replaces glutamic acid, which is acidic and polar, with aspartic acid, which is acidic and polar, at codon 1010 of the PALB2 protein (p.Glu1010Asp). This variant is not present in population databases (gnomAD no frequency). This variant has not been reported in the literature in individuals affected with PALB2-related conditions. Algorithms developed to predict the effect of missense changes on protein structure and function output the following: SIFT: "Tolerated"; PolyPhen-2: "Benign"; Align-GVGD: "Class C0". The aspartic acid amino acid residue is found in multiple mammalian species, which suggests that this missense change does not adversely affect protein function. In summary, the available evidence is currently insufficient to determine the role of this variant in disease. Therefore, it has been classified as a Variant of Uncertain Significance.

NM_024675.4(PALB2):c.3030G>C (p.Glu1010Asp)

Gene: PALB2 (partner and localizer of BRCA2; minus strand). Cytogenetic location: 16p12.2.
Variant type: single nucleotide variant.
Coding change: c.3030G>C on transcript NM_024675.4 (MANE Select); coding-DNA position 3030, G replaced by C.
Protein change: p.Glu1010Asp; replaces glutamic acid 1010 with aspartic acid.
Molecular consequence: missense variant.
Genome position (GRCh38, 1-based): chr16:23,621,445, C>G on the plus strand (G>C on the coding strand, the complement: PALB2 is on the minus strand). VCF-style: chr16-23621445-C-G. GRCh37 (hg19) VCF-style: chr16-23632766-C-G.
Other names: c.2970G>C, p.Glu990Asp (NM_001407296.1); c.2958G>C, p.Glu986Asp (NM_001407297.1); c.2868G>C, p.Glu956Asp (NM_001407298.1, NM_001407302.1); c.3030G>C, p.Glu1010Asp (NM_001407299.1, NM_001407301.1); c.2145G>C, p.Glu715Asp (NM_001407304.1, NM_001407305.1, NM_001407306.1 and 4 more transcripts); c.1983G>C, p.Glu661Asp (NM_001407307.1); c.1242G>C, p.Glu414Asp (NM_001407312.1, NM_001407313.1); c.564G>C, p.Glu188Asp (NM_001407314.1); short protein forms E1010D, E715D, E990D, E414D, E661D, E956D, E986D, E188D.
Identifiers: ClinVar variation 2115923 (VCV002115923.4), dbSNP rs2142327851, ClinGen allele CA395143090.